The following is an entry in ClinVar:

NM_017514.5(PLXNA3):c.3701C>T (p.Ala1234Val)

Gene: PLXNA3 (plexin A3; plus strand). Cytogenetic location: Xq28.
Variant type: single nucleotide variant.
Coding change: c.3701C>T on transcript NM_017514.5 (MANE Select); coding-DNA position 3701, C replaced by T.
Protein change: p.Ala1234Val; replaces alanine 1234 with valine.
Molecular consequence: missense variant.
Genome position (GRCh38, 1-based): chrX:154,467,882, C>T. VCF-style: chrX-154467882-C-T. GRCh37 (hg19) VCF-style: chrX-153696225-C-T.
Other names: short protein forms A1234V.
Identifiers: ClinVar variation 4994676 (VCV004994676.1).

ClinVar aggregate classification (germline): Uncertain significance (1 of 4 stars; one submission).

Conditions:
PLXNA3-related disorder. Also called: PLXNA3-related condition.

Submission:

PreventionGenetics, part of Exact Sciences
Classification: Uncertain significance for PLXNA3-related condition. Last evaluated: 2025-10-08. Review status: criteria provided, single submitter. Criteria: ACMG Guidelines, 2015. Collection method: clinical testing. Allele origin: germline.
Comment: The PLXNA3 c.3701C>T variant is predicted to result in the amino acid substitution p.Ala1234Val. To our knowledge, this variant has not been reported in the literature. This variant is reported in 0.0078% of alleles in individuals of African descent in gnomAD. At this time, the clinical significance of this variant is uncertain due to the absence of conclusive functional and genetic evidence.